The following is an entry in ClinVar:

ClinVar aggregate classification (germline): Likely benign. Review status: criteria provided, single submitter (1 of 4 stars). 2 submissions from 2 submitters: Likely benign (1). 1 of the submissions does not count toward it. Last evaluated 2026-02-02.

Conditions:
IFIH1-related disorder. Also called: IFIH1-related condition.
Singleton-Merten syndrome 1 (SGMRT1). Also called: Widened medullary cavities of bone, aortic calcification, abnormal dentition, and muscular weakness; Syndrome of widened medullary cavities of the metacarpals and phalanges, aortic calcification and abnormal dentition. Identifiers: Orphanet 85191, MedGen C4225427, MONDO:0024535, OMIM 182250.
Aicardi-Goutieres syndrome 7 (AGS7). Identifiers: Orphanet 51, MedGen C3888244, MONDO:0014367, OMIM 615846.

Allele frequency attached by ClinVar (database versions not stated): gnomAD 0.00005; gnomAD exomes 0.00005 and 0.00006; TOPMed 0.00007; ExAC 0.00004.
gnomAD v4.1: 78 of 1,545,624 alleles (0.005%); highest among the groups gnomAD compares: Non-Finnish European, 0.0068%; no homozygotes.

Submissions (2):

Labcorp Genetics (formerly Invitae), Labcorp
Classification: Likely benign for Aicardi-Goutieres syndrome 7; Singleton-Merten syndrome 1. Last evaluated: 2026-02-02. Review status: criteria provided, single submitter. Criteria: Invitae Variant Classification Sherloc (09022015). Collection method: clinical testing. Allele origin: germline.

PreventionGenetics, part of Exact Sciences
Classification: Uncertain significance for IFIH1-related condition. Last evaluated: 2024-04-05. Review status: no assertion criteria provided. Collection method: clinical testing. Allele origin: germline. Not counted in ClinVar's aggregate classification.
Comment: The IFIH1 c.1694G>T variant is predicted to result in the amino acid substitution p.Cys565Phe. This variant was reported in an individual with inflammatory bowel disease, however was reportedly inherited from the patient's unaffected mother and was determined to reduce protein function (Cananzi et al 2021. PubMed ID: 34185153). This variant is reported in 0.012% of alleles in individuals of European (Non-Finnish) descent in gnomAD. At this time, the clinical significance of this variant is uncertain due to the absence of conclusive functional and genetic evidence.

NM_022168.4(IFIH1):c.1694G>T (p.Cys565Phe)

Gene: IFIH1 (interferon induced with helicase C domain 1; minus strand). Cytogenetic location: 2q24.2.
Variant type: single nucleotide variant.
Coding change: c.1694G>T on transcript NM_022168.4 (MANE Select); coding-DNA position 1694, G replaced by T.
Protein change: p.Cys565Phe; replaces cysteine 565 with phenylalanine.
Molecular consequence: missense variant.
Genome position (GRCh38, 1-based): chr2:162,278,276, C>A on the plus strand (G>T on the coding strand, the complement: IFIH1 is on the minus strand). VCF-style: chr2-162278276-C-A. GRCh37 (hg19) VCF-style: chr2-163134786-C-A.
Other names: c.1694G>T (NM_022168.3); short protein forms C565F.
Identifiers: ClinVar variation 1419745 (VCV001419745.9), dbSNP rs560193080, ClinGen allele CA1934434.